The following is an entry in ClinVar:

ClinVar aggregate classification (germline): Likely benign (1 of 4 stars; one submission).

Conditions:
BAP1-related tumor predisposition syndrome (TPDS1). Also called: BAP1 tumor predisposition syndrome; Tumor susceptibility linked to germline BAP1 mutations; COMMON Syndrome; TUMOR PREDISPOSITION SYNDROME 1. Identifiers: Orphanet 289539, MedGen C3280492, MONDO:0013692, OMIM 614327.

Submission:

Myriad Genetics, Inc.
Classification: Likely benign for BAP1-related tumor predisposition syndrome. Last evaluated: 2024-07-11. Review status: criteria provided, single submitter. Criteria: Myriad Autosomal Dominant, Autosomal Recessive and X-Linked Classification Criteria (2023). Collection method: clinical testing. Allele origin: unknown.
Comment: This variant is considered likely benign. This variant is intronic and is not expected to impact mRNA splicing.

NM_004656.4(BAP1):c.256-20G>A

Gene: BAP1 (BRCA1 associated deubiquitinase 1; minus strand). Cytogenetic location: 3p21.1.
Variant type: single nucleotide variant.
Coding change: c.256-20G>A on transcript NM_004656.4 (MANE Select); 20 bases into the intron before coding-DNA position 256, G replaced by A.
Molecular consequence: intron variant.
Genome position (GRCh38, 1-based): chr3:52,408,097, C>T on the plus strand (G>A on the coding strand, the complement: BAP1 is on the minus strand). VCF-style: chr3-52408097-C-T. GRCh37 (hg19) VCF-style: chr3-52442113-C-T.
Other names: c.256-20G>A (NM_001410772.1).
Identifiers: ClinVar variation 3379190 (VCV003379190.1).